The following is an entry in ClinVar:

ClinVar aggregate classification (germline): Conflicting classifications of pathogenicity. Review status: criteria provided, conflicting classifications (1 of 4 stars). 4 submissions from 3 submitters: Uncertain significance (2); Likely benign (2). Last evaluated 2024-07-01.

Conditions:
Emery-Dreifuss muscular dystrophy 4, autosomal dominant (EDMD4). Also called: EMERY-DREIFUSS MUSCULAR DYSTROPHY 4 WITH VARIABLE FEATURES. Identifiers: Orphanet 261, MedGen C2751807, MONDO:0013071, OMIM 612998.
Autosomal recessive ataxia, Beauce type. Also called: SYNE1-Related Autosomal Recessive Cerebellar Ataxia; Spinocerebellar ataxia, autosomal recessive 8; ATAXIA, RECESSIVE, OF BEAUCE; SYNE1 Deficiency. Identifiers: Orphanet 88644, MedGen C1853116, MONDO:0012549, OMIM 610743.

Allele frequency attached by ClinVar (database versions not stated): TOPMed below 0.00001; gnomAD 0.00001 and 0.00003; gnomAD exomes 0.00001 and 0.00005; ExAC 0.00004; 1000 Genomes Project 30x 0.00047; 1000 Genomes Project 0.00060.
gnomAD v4.1: 17 of 1,614,112 alleles (0.0011%); highest among the groups gnomAD compares: East Asian, 0.033%; no homozygotes.

Submissions (4):

Labcorp Genetics (formerly Invitae), Labcorp
Classification: Likely benign for Emery-Dreifuss muscular dystrophy 4, autosomal dominant; Autosomal recessive ataxia, Beauce type. Last evaluated: 2024-07-01. Review status: criteria provided, single submitter. Criteria: Invitae Variant Classification Sherloc (09022015). Collection method: clinical testing. Allele origin: germline.

Illumina Laboratory Services, Illumina
Classification: Likely benign for Emery-Dreifuss muscular dystrophy 4, autosomal dominant. Last evaluated: 2018-01-13. Review status: criteria provided, single submitter. Criteria: ICSL Variant Classification Criteria 13 December 2019. Collection method: clinical testing. Allele origin: germline.
Comment: This variant was observed in the ICSL laboratory as part of a predisposition screen in an ostensibly healthy population. It had not been previously curated by ICSL or reported in the Human Gene Mutation Database (HGMD: prior to June 1st, 2018), and was therefore a candidate for classification through an automated scoring system. Utilizing variant allele frequency, disease prevalence and penetrance estimates, and inheritance mode, an automated score was calculated to assess if this variant is too frequent to cause the disease. Based on the score and internal cut-off values, a variant classified as likely benign is not then subjected to further curation. The score for this variant resulted in a classification of likely benign for this disease.

Illumina Laboratory Services, Illumina
Classification: Uncertain significance for Autosomal recessive ataxia, Beauce type. Last evaluated: 2018-01-13. Review status: criteria provided, single submitter. Criteria: ICSL Variant Classification Criteria 13 December 2019. Collection method: clinical testing. Allele origin: germline.

Eurofins Ntd Llc (ga)
Classification: Uncertain significance. Last evaluated: 2017-11-03. Review status: criteria provided, single submitter. Criteria: EGL Classification Definitions 2015. Collection method: clinical testing. Allele origin: germline. Observed: 1 variant allele, 1 heterozygote.

NM_182961.4(SYNE1):c.17016G>T (p.Arg5672=)

Genes: SYNE1 (spectrin repeat containing nuclear envelope protein 1; minus strand), LOC126859837 (BRD4-independent group 4 enhancer GRCh37_chr6:152630775-152631974; plus strand). Cytogenetic location: 6q25.2.
Variant type: single nucleotide variant.
Coding change: c.17016G>T on transcript NM_182961.4 (MANE Select); coding-DNA position 17016, G replaced by T.
Protein change: p.Arg5672=; no amino-acid change (arginine 5672 retained).
Molecular consequence: synonymous variant.
Genome position (GRCh38, 1-based): chr6:152,310,399, C>A on the plus strand (G>T on the coding strand, the complement: SYNE1 is on the minus strand). VCF-style: chr6-152310399-C-A. GRCh37 (hg19) VCF-style: chr6-152631534-C-A.
Other names: c.16803G>T, p.Arg5601= (NM_033071.5).
Identifiers: ClinVar variation 594709 (VCV000594709.17), dbSNP rs573806608, ClinGen allele CA4055373.